The following is an entry in ClinVar:

ClinVar aggregate classification (germline): Uncertain significance. Review status: criteria provided, multiple submitters, no conflicts (2 of 4 stars). 2 submissions from 2 submitters: Uncertain significance (2). Last evaluated 2023-07-07.

Conditions:
Idiopathic generalized epilepsy. Also called: Generalised epilepsy; EIG. Identifiers: MedGen C0270850, MONDO:0005579, OMIM 600669.
Hyperaldosteronism, familial, type IV (HALD4). Also called: FH IV; ALDOSTERONISM, PRIMARY, AND HYPERTENSION. Identifiers: Orphanet 642671, MedGen C4310756, MONDO:0014875, OMIM 617027.
Epilepsy, childhood absence, susceptibility to, 6. Identifiers: Orphanet 64280, MedGen C2749872, MONDO:0012763, OMIM 611942.

Allele frequency attached by ClinVar (database versions not stated): gnomAD 0.00001; TOPMed 0.00002.

Submissions (2):

Labcorp Genetics (formerly Invitae), Labcorp
Classification: Uncertain significance for Idiopathic generalized epilepsy; Hyperaldosteronism, familial, type IV. Last evaluated: 2023-07-07. Review status: criteria provided, single submitter. Criteria: Invitae Variant Classification Sherloc (09022015). Collection method: clinical testing. Allele origin: germline.
Comment: ClinVar contains an entry for this variant (Variation ID: 1409816). Advanced modeling of protein sequence and biophysical properties (such as structural, functional, and spatial information, amino acid conservation, physicochemical variation, residue mobility, and thermodynamic stability) performed at Invitae indicates that this missense variant is not expected to disrupt CACNA1H protein function. In summary, the available evidence is currently insufficient to determine the role of this variant in disease. Therefore, it has been classified as a Variant of Uncertain Significance. This variant has not been reported in the literature in individuals affected with CACNA1H-related conditions. This sequence change replaces lysine, which is basic and polar, with arginine, which is basic and polar, at codon 1868 of the CACNA1H protein (p.Lys1868Arg). This variant is not present in population databases (gnomAD no frequency).

Fulgent Genetics
Classification: Uncertain significance for Epilepsy, childhood absence, susceptibility to, 6; Hyperaldosteronism, familial, type IV. Last evaluated: 2021-11-14. Review status: criteria provided, single submitter. Criteria: ACMG Guidelines, 2015. Collection method: clinical testing. Allele origin: unknown.

NM_021098.3(CACNA1H):c.5603A>G (p.Lys1868Arg)

Gene: CACNA1H (calcium voltage-gated channel subunit alpha1 H; plus strand). Cytogenetic location: 16p13.3.
Variant type: single nucleotide variant.
Coding change: c.5603A>G on transcript NM_021098.3 (MANE Select); coding-DNA position 5603, A replaced by G.
Protein change: p.Lys1868Arg; replaces lysine 1868 with arginine.
Molecular consequence: missense variant.
Genome position (GRCh38, 1-based): chr16:1,218,367, A>G. VCF-style: chr16-1218367-A-G. GRCh37 (hg19) VCF-style: chr16-1268367-A-G.
Other names: c.5585A>G, p.Lys1862Arg (NM_001005407.2); short protein forms K1868R, K1862R.
Identifiers: ClinVar variation 1409816 (VCV001409816.9), dbSNP rs1970204449, ClinGen allele CA394147529.